The following is an entry in ClinVar:

ClinVar aggregate classification (germline): Benign (1 of 4 stars; one submission).

Allele frequency attached by ClinVar (database versions not stated): 1000 Genomes Project 0.00120; 1000 Genomes Project 30x 0.00125; gnomAD 0.00395; TOPMed 0.00396.

Submission:

CeGaT Center for Human Genetics Tuebingen
Classification: Benign. Last evaluated: 2026-09-01. Review status: criteria provided, single submitter. Criteria: CeGaT Center For Human Genetics Tuebingen Variant Classification Criteria Version 2. Collection method: clinical testing. Allele origin: germline. Affected: yes. Observed: 17 variant alleles.
Comment: PPP1CB: BS1, BS2

NM_002709.3(PPP1CB):c.415+1159C>T

Gene: PPP1CB (protein phosphatase 1 catalytic subunit beta; plus strand). Cytogenetic location: 2p23.2.
Variant type: single nucleotide variant.
Coding change: c.415+1159C>T on transcript NM_002709.3 (MANE Select); 1159 bases into the intron after coding-DNA position 415, C replaced by T.
Molecular consequence: intron variant.
Genome position (GRCh38, 1-based): chr2:28,780,198, C>T. VCF-style: chr2-28780198-C-T. GRCh37 (hg19) VCF-style: chr2-29003064-C-T.
Other names: c.415+1159C>T (NM_206876.2).
Identifiers: ClinVar variation 3067272 (VCV003067272.21), dbSNP rs142426800, ClinGen allele CA11111331.